The following is an entry in ClinVar:

NM_001130969.3(NSMF):c.914C>G (p.Ser305Cys)

Gene: NSMF (NMDA receptor synaptonuclear signaling and neuronal migration factor; minus strand). Cytogenetic location: 9q34.3.
Variant type: single nucleotide variant.
Coding change: c.914C>G on transcript NM_001130969.3 (MANE Select); coding-DNA position 914, C replaced by G.
Protein change: p.Ser305Cys; replaces serine 305 with cysteine.
Molecular consequence: missense variant. On other transcripts: intron variant (1).
Genome position (GRCh38, 1-based): chr9:137,453,739, G>C on the plus strand (C>G on the coding strand, the complement: NSMF is on the minus strand). VCF-style: chr9-137453739-G-C. GRCh37 (hg19) VCF-style: chr9-140348191-G-C.
Other names: c.845C>G, p.Ser282Cys (NM_001130970.2); c.839C>G, p.Ser280Cys (NM_001130971.2); c.908C>G, p.Ser303Cys (NM_015537.5); c.833-559C>G (NM_001178064.2); short protein forms S280C, S282C, S303C, S305C.
Identifiers: ClinVar variation 4976290 (VCV004976290.1).

ClinVar aggregate classification (germline): Uncertain significance (1 of 4 stars; one submission).

gnomAD v4.1: 8 of 1,601,728 alleles (0.0005%); highest among the groups gnomAD compares: Non-Finnish European, 0.00059%; no homozygotes.

Submission:

GeneDx
Classification: Uncertain significance. Last evaluated: 2026-02-10. Review status: criteria provided, single submitter. Criteria: GeneDx Variant Classification Process June 2021. Collection method: clinical testing. Allele origin: germline.
Comment: In silico analysis supports that this missense variant has a deleterious effect on protein structure/function; Has not been previously published as pathogenic or benign to our knowledge